The following is an entry in ClinVar:

ClinVar aggregate classification (germline): Uncertain significance. Review status: criteria provided, multiple submitters, no conflicts (2 of 4 stars). 2 submissions from 2 submitters: Uncertain significance (2). Last evaluated 2024-06-20.

Allele frequency attached by ClinVar (database versions not stated): gnomAD exomes below 0.00001.
gnomAD v4.1: 1 of 1,614,102 alleles (0.000062%); highest among the groups gnomAD compares: South Asian, 0.0011%; no homozygotes.

Submissions (2):

Blueprint Genetics
Classification: Uncertain significance. Last evaluated: 2024-06-20. Review status: criteria provided, single submitter. Criteria: ACMG Guidelines, 2015. Collection method: clinical testing. Allele origin: germline.

GeneDx
Classification: Uncertain significance. Last evaluated: 2023-03-24. Review status: criteria provided, single submitter. Criteria: GeneDx Variant Classification Process June 2021. Collection method: clinical testing. Allele origin: germline. Affected: yes.
Comment: Has not been previously published as pathogenic or benign to our knowledge; Not observed at significant frequency in large population cohorts (gnomAD); Although located in a calcium-binding EGF-like domain of the FBN2 gene, it does not substitute or introduce a cysteine residue (Callewaert et al., 2009; Frederic et al., 2009); In silico analysis supports that this missense variant has a deleterious effect on protein structure/function; This variant is associated with the following publications: (PMID: 19006240, 18767143)

NM_001999.4(FBN2):c.8041C>T (p.Pro2681Ser)

Gene: FBN2 (fibrillin 2; minus strand). Cytogenetic location: 5q23.3.
Variant type: single nucleotide variant.
Coding change: c.8041C>T on transcript NM_001999.4 (MANE Select); coding-DNA position 8041, C replaced by T.
Protein change: p.Pro2681Ser; replaces proline 2681 with serine.
Molecular consequence: missense variant.
Genome position (GRCh38, 1-based): chr5:128,263,576, G>A on the plus strand (C>T on the coding strand, the complement: FBN2 is on the minus strand). VCF-style: chr5-128263576-G-A. GRCh37 (hg19) VCF-style: chr5-127599268-G-A.
Other names: short protein forms P2681S.
Identifiers: ClinVar variation 2580442 (VCV002580442.2), dbSNP rs1157259348, ClinGen allele CA360748694.